The following is an entry in ClinVar:

NM_001110354.2(ZP3):c.114C>T (p.Ser38=)

Gene: ZP3 (zona pellucida glycoprotein 3; plus strand). Cytogenetic location: 7q11.23.
Variant type: single nucleotide variant.
Coding change: c.114C>T on transcript NM_001110354.2 (MANE Select); coding-DNA position 114, C replaced by T.
Protein change: p.Ser38=; no amino-acid change (serine 38 retained).
Molecular consequence: synonymous variant. On other transcripts: 5 prime UTR variant (1).
Genome position (GRCh38, 1-based): chr7:76,425,078, C>T. VCF-style: chr7-76425078-C-T. GRCh37 (hg19) VCF-style: chr7-76054395-C-T.
Other names: c.-40C>T (NM_007155.6).
Identifiers: ClinVar variation 713157 (VCV000713157.29), dbSNP rs199647928, ClinGen allele CA4307219.
Genomic context (GRCh38, chr7:76,425,078, plus strand): 5'-GCTGTGCTACCCCCAACCCCTCTGGCTCTTGCAGGGTGGAGCCAGCCATCCTGAGACGTC[C>T]GTACAGCCCGTACTGGTGGAGTGTCAGGAGGCCACTCTGATGGTCATGGTCAGCAAAGAC-3'
Protein context (NP_001103824.1, residues 28-48): LQGGASHPET[Ser38=]VQPVLVECQE

ClinVar aggregate classification (germline): Benign/Likely benign. Review status: criteria provided, multiple submitters, no conflicts (2 of 4 stars). 3 submissions from 3 submitters: Benign (2); Likely benign (1). Last evaluated 2025-09-01.

Allele frequency attached by ClinVar (database versions not stated): 1000 Genomes Project 0.00120; 1000 Genomes Project 30x 0.00125; TOPMed 0.00183; gnomAD 0.00186 and 0.00203; gnomAD exomes 0.00227; ESP Exome Variant Server 0.00238; ExAC 0.00258.

Submissions (3):

CeGaT Center for Human Genetics Tuebingen
Classification: Likely benign. Last evaluated: 2025-09-01. Review status: criteria provided, single submitter. Criteria: CeGaT Center For Human Genetics Tuebingen Variant Classification Criteria Version 2. Collection method: clinical testing. Allele origin: germline. Affected: yes. Observed: 2 variant alleles.
Comment: ZP3: BP4, BP7, BS2

Labcorp Genetics (formerly Invitae), Labcorp
Classification: Benign. Last evaluated: 2019-12-31. Review status: criteria provided, single submitter. Criteria: Invitae Variant Classification Sherloc (09022015). Collection method: clinical testing. Allele origin: germline.

Breakthrough Genomics
Classification: Benign. Review status: criteria provided, single submitter. Criteria: ACMG Guidelines, 2015. Collection method: not provided. Allele origin: germline. Inheritance: Autosomal dominant inheritance. Affected: yes.